The following is an entry in ClinVar:

NM_013382.7(POMT2):c.656+136dup

Gene: POMT2 (protein O-mannosyltransferase 2; minus strand). Cytogenetic location: 14q24.3.
Variant type: Duplication.
Coding change: c.656+136dup on transcript NM_013382.7 (MANE Select); 136 bases into the intron after coding-DNA position 656, one base duplicated (T; older notation c.656+136dupT).
Molecular consequence: intron variant.
Genome position (GRCh38, 1-based): chr14:77,302,693, A duplicated on the plus strand (T on the coding strand, the reverse complement: POMT2 is on the minus strand); the first of 7 consecutive A bases (chr14:77,302,693-77,302,699); duplicating any one gives the same sequence. VCF-style (leftmost placement, unchanged base first): chr14-77302692-T-TA. GRCh37 (hg19) VCF-style: chr14-77769035-T-TA.
Identifiers: ClinVar variation 668034 (VCV000668034.1), dbSNP rs3217186, ClinGen allele CA263838506.
Genomic context (GRCh38, chr14:77,302,692, plus strand): 5'-AATCACCTGTAGAAAACTTTTTAAAATCTATTTTTATGATCTAAAATGGACAATCTAAGT[T>TA]AAAAAAACAAACAAAAAGTATGCTTGCCTTAAAATCAGCTTCAAGACAAGTCTCTGGGCA-3'

ClinVar aggregate classification (germline): Benign (1 of 4 stars; one submission).

Submission:

GeneDx
Classification: Benign. Last evaluated: 2018-06-14. Review status: criteria provided, single submitter. Criteria: GeneDx Variant Classification (06012015). Collection method: clinical testing. Allele origin: germline. Affected: yes.
Comment: This variant is considered likely benign or benign based on one or more of the following criteria: it is a conservative change, it occurs at a poorly conserved position in the protein, it is predicted to be benign by multiple in silico algorithms, and/or has population frequency not consistent with disease.